The following is an entry in ClinVar:

NM_015450.3(POT1):c.1643T>C (p.Leu548Pro)

Gene: POT1 (protection of telomeres 1; minus strand). Cytogenetic location: 7q31.33.
Variant type: single nucleotide variant.
Coding change: c.1643T>C on transcript NM_015450.3 (MANE Select); coding-DNA position 1643, T replaced by C.
Protein change: p.Leu548Pro; replaces leucine 548 with proline.
Molecular consequence: missense variant. On other transcripts: non-coding transcript variant (3).
Genome position (GRCh38, 1-based): chr7:124,827,257, A>G on the plus strand (T>C on the coding strand, the complement: POT1 is on the minus strand). VCF-style: chr7-124827257-A-G. GRCh37 (hg19) VCF-style: chr7-124467311-A-G.
Other names: c.1250T>C, p.Leu417Pro (NM_001042594.2); short protein forms L417P, L548P.
Identifiers: ClinVar variation 860543 (VCV000860543.9), dbSNP rs1794652953, ClinGen allele CA369063051.

ClinVar aggregate classification (germline): Uncertain significance. Review status: criteria provided, multiple submitters, no conflicts (2 of 4 stars). 2 submissions from 2 submitters: Uncertain significance (2). Last evaluated 2025-01-08.

Conditions:
Tumor predisposition syndrome 3 (TPDS3). Also called: Melanoma, cutaneous malignant, susceptibility to, 10; Glioma susceptibility 9; LONG TELOMERE SYNDROME, POT1-RELATED; POT1 Tumor Predisposition. Identifiers: Orphanet 618, MedGen C4014476, MONDO:0014368, OMIM 615848.
Hereditary cancer-predisposing syndrome. Also called: Neoplastic Syndromes, Hereditary; Hereditary neoplastic syndrome; Tumor predisposition; Hereditary Cancer Syndrome. Identifiers: Orphanet 140162, MedGen C0027672, MeSH D009386, MONDO:0015356.

Allele frequency attached by ClinVar (database versions not stated): gnomAD exomes below 0.00001.
gnomAD v4.1: 2 of 1,598,964 alleles (0.00013%); highest among the groups gnomAD compares: Non-Finnish European, 0.00017%; no homozygotes.

Submissions (2):

Ambry Genetics
Classification: Uncertain significance for Hereditary cancer-predisposing syndrome. Last evaluated: 2025-01-08. Review status: criteria provided, single submitter. Criteria: Ambry Variant Classification Scheme 2023. Collection method: clinical testing. Allele origin: germline.
Comment: The p.L548P variant (also known as c.1643T>C), located in coding exon 13 of the POT1 gene, results from a T to C substitution at nucleotide position 1643. The leucine at codon 548 is replaced by proline, an amino acid with similar properties. This amino acid position is conserved. In addition, this alteration is predicted to be deleterious by in silico analysis. Based on the available evidence, the clinical significance of this variant remains unclear.

Labcorp Genetics (formerly Invitae), Labcorp
Classification: Uncertain significance for Tumor predisposition syndrome 3. Last evaluated: 2024-07-01. Review status: criteria provided, single submitter. Criteria: Invitae Variant Classification Sherloc (09022015). Collection method: clinical testing. Allele origin: germline.
Comment: This sequence change replaces leucine, which is neutral and non-polar, with proline, which is neutral and non-polar, at codon 548 of the POT1 protein (p.Leu548Pro). This variant is not present in population databases (gnomAD no frequency). This variant has not been reported in the literature in individuals affected with POT1-related conditions. ClinVar contains an entry for this variant (Variation ID: 860543). Advanced modeling of protein sequence and biophysical properties (such as structural, functional, and spatial information, amino acid conservation, physicochemical variation, residue mobility, and thermodynamic stability) performed at Invitae indicates that this missense variant is not expected to disrupt POT1 protein function with a negative predictive value of 80%. In summary, the available evidence is currently insufficient to determine the role of this variant in disease. Therefore, it has been classified as a Variant of Uncertain Significance.